The following is an entry in ClinVar:

NM_006231.4(POLE):c.-13_18dup (p.Gly7fs)

Genes: POLE (DNA polymerase epsilon, catalytic subunit; minus strand), LOC130009266 (ATAC-STARR-seq lymphoblastoid silent region 5123; plus strand). Cytogenetic location: 12q24.33.
Variant type: Duplication.
Coding change: c.-13_18dup on transcript NM_006231.4 (MANE Select); 13 bases upstream of the start codon through coding-DNA position 18, 31 bases duplicated.
Protein change: p.Gly7fs; shifts the reading frame from glycine 7.
Molecular consequence: frameshift variant, initiator codon variant.
Genome position (GRCh38, 1-based): chr12:132,687,298-132,687,328, 31 bases duplicated. GRCh37 (hg19): chr12:133,263,884-133,263,914.
Other names: short protein forms G7fs.
Identifiers: ClinVar variation 2032439 (VCV002032439.5), dbSNP rs2542222317, ClinGen allele CA2580086167.

ClinVar aggregate classification (germline): Uncertain significance (1 of 4 stars; one submission).

Submission:

Labcorp Genetics (formerly Invitae), Labcorp
Classification: Uncertain significance. Last evaluated: 2022-09-24. Review status: criteria provided, single submitter. Criteria: Invitae Variant Classification Sherloc (09022015). Collection method: clinical testing. Allele origin: germline.
Comment: In summary, the available evidence is currently insufficient to determine the role of this variant in disease. Therefore, it has been classified as a Variant of Uncertain Significance. This variant is not present in population databases (gnomAD no frequency). This variant has not been reported in the literature in individuals affected with POLE-related conditions. This variant is also known as c.-13_18dup (p.Gly7Serfs*27). Experimental studies and prediction algorithms are not available or were not evaluated, and the functional significance of this variant is currently unknown. This variant occurs in a non-coding region of the POLE gene. It does not change the encoded amino acid sequence of the POLE protein.